The following is an entry in ClinVar:

ClinVar aggregate classification (germline): Uncertain significance. Review status: criteria provided, multiple submitters, no conflicts (2 of 4 stars). 4 submissions from 4 submitters: Uncertain significance (3). 1 of the submissions does not count toward it. Last evaluated 2026-04-07.

Conditions:
Cardiovascular phenotype. Identifiers: MedGen CN230736.
Ehlers-Danlos syndrome, musculocontractural type (EDSMC). Also called: Adducted thumb, clubfoot, progressive joint and skin laxity syndrome; DUNDAR SYNDROME; ADDUCTED THUMB-CLUBFOOT SYNDROME; ARTHROGRYPOSIS, DISTAL, WITH PECULIAR FACIES AND HYDRONEPHROSIS. Identifiers: Orphanet 2953, MedGen C1866294, MONDO:0011142.

Allele frequency attached by ClinVar (database versions not stated): gnomAD exomes below 0.00001.
gnomAD v4.1: 2 of 1,613,534 alleles (0.00012%); highest among the groups gnomAD compares: Non-Finnish European, 0.00017%; no homozygotes.

Submissions (4):

Women's Health and Genetics/Laboratory Corporation of America, LabCorp
Classification: Uncertain significance. Last evaluated: 2026-04-07. Review status: criteria provided, single submitter. Criteria: LabCorp Variant Classification Summary - May 2015. Collection method: clinical testing. Allele origin: germline.
Comment: Variant summary: CHST14 c.436C>G (p.Arg146Gly) results in a non-conservative amino acid change in the encoded protein sequence. Algorithms developed to predict the effect of missense changes on protein structure and function are either unavailable or do not agree on the potential impact of this missense change. The variant allele was found at a frequency of 4e-06 in 250516 control chromosomes. The available data on variant occurrences in the general population are insufficient to allow any conclusion about variant significance. To our knowledge, no occurrence of c.436C>G in individuals affected with CHST14-related conditions and no experimental evidence demonstrating its impact on protein function have been reported. ClinVar contains an entry for this variant (Variation ID: 828118). Based on the evidence outlined above, the variant was classified as uncertain significance.

Ambry Genetics
Classification: Uncertain significance for Cardiovascular phenotype. Last evaluated: 2025-01-04. Review status: criteria provided, single submitter. Criteria: Ambry Variant Classification Scheme 2023. Collection method: clinical testing. Allele origin: germline.

Labcorp Genetics (formerly Invitae), Labcorp
Classification: Uncertain significance for Ehlers-Danlos syndrome, musculocontractural type. Last evaluated: 2022-08-22. Review status: criteria provided, single submitter. Criteria: Invitae Variant Classification Sherloc (09022015). Collection method: clinical testing. Allele origin: germline.
Comment: Algorithms developed to predict the effect of missense changes on protein structure and function are either unavailable or do not agree on the potential impact of this missense change (SIFT: "Deleterious"; PolyPhen-2: "Benign"; Align-GVGD: "Class C15"). In summary, the available evidence is currently insufficient to determine the role of this variant in disease. Therefore, it has been classified as a Variant of Uncertain Significance. ClinVar contains an entry for this variant (Variation ID: 828118). This variant has not been reported in the literature in individuals affected with CHST14-related conditions. This variant is present in population databases (no rsID available, gnomAD 0.0009%). This sequence change replaces arginine, which is basic and polar, with glycine, which is neutral and non-polar, at codon 146 of the CHST14 protein (p.Arg146Gly).

Biochemical Molecular Genetic Laboratory, King Abdulaziz Medical City
Classification: Uncertain significance for Ehlers-Danlos syndrome, musculocontractural type 1. Last evaluated: 2020-02-05. Review status: no assertion criteria provided. Collection method: clinical testing. Allele origin: germline. Affected: yes. Not counted in ClinVar's aggregate classification.

NM_130468.4(CHST14):c.436C>G (p.Arg146Gly)

Gene: CHST14 (carbohydrate sulfotransferase 14; plus strand). Cytogenetic location: 15q15.1.
Variant type: single nucleotide variant.
Coding change: c.436C>G on transcript NM_130468.4 (MANE Select); coding-DNA position 436, C replaced by G.
Protein change: p.Arg146Gly; replaces arginine 146 with glycine.
Molecular consequence: missense variant.
Genome position (GRCh38, 1-based): chr15:40,471,649, C>G. VCF-style: chr15-40471649-C-G. GRCh37 (hg19) VCF-style: chr15-40763848-C-G.
Other names: short protein forms R146G.
Identifiers: ClinVar variation 828118 (VCV000828118.12), dbSNP rs1007569346, ClinGen allele CA268822433.
Genomic context (GRCh38, chr15:40,471,649, plus strand): 5'-CCCTGGGACTTGCCGGTGGGGCAGCGGCGCACCCTGCTGCGCCACATCCTCGTAAGTGAC[C>G]GTTACCGCTTCCTCTACTGCTACGTCCCCAAGGTGGCCTGCTCTAACTGGAAGCGGGTGA-3'
Protein context (NP_569735.1, residues 136-156): TLLRHILVSD[Arg146Gly]YRFLYCYVPK